The following is an entry in ClinVar:

ClinVar aggregate classification (germline): Conflicting classifications of pathogenicity. Review status: criteria provided, conflicting classifications (1 of 4 stars). 6 submissions from 6 submitters: Uncertain significance (4); Likely benign (2). Last evaluated 2026-02-20.

Conditions:
Charcot-Marie-Tooth disease type 2. Also called: Charcot-Marie-Tooth type 2. Identifiers: Orphanet 64746, MedGen C0270914, MONDO:0018993.
Neuroblastoma, susceptibility to, 1. Identifiers: MedGen C2749485, MONDO:0009741, OMIM 256700.
Charcot-Marie-Tooth disease. Also called: Charcot-Marie-Tooth Neuropathy; Charcot-Marie-Tooth Hereditary Neuropathy. Identifiers: Orphanet 166, MedGen C0007959, MONDO:0015626.
Neuroblastoma (NB). Identifiers: Orphanet 635, MedGen C0027819, MeSH D009447, MONDO:0005072, HP:0003006.

Allele frequency attached by ClinVar (database versions not stated): ExAC 0.00009; gnomAD exomes 0.00009; gnomAD 0.00011 and 0.00017; TOPMed 0.00025.
gnomAD v4.1: 208 of 1,613,890 alleles (0.013%); highest among the groups gnomAD compares: Non-Finnish European, 0.016%; no homozygotes.

Submissions (6):

St. Jude Molecular Pathology, St. Jude Children's Research Hospital
Classification: Uncertain significance for Neuroblastoma, susceptibility to, 1. Last evaluated: 2026-02-20. Review status: criteria provided, single submitter. Criteria: St. Jude Assertion Criteria 2020. Collection method: clinical testing. Allele origin: germline.
Comment: The KIF1B c.1817C>T p.(Thr606Ile) missense change has a maximum subpopulation frequency of 0. 016% in gnomAD v2.1.1. The in silico tool REVEL is inconclusive about a pathogenic or benign effect of this variant on protein function, and to our knowledge functional studies have not been performed. This variant has not been reported in individuals with pheochromocytoma or neuroblastoma. In summary, the evidence currently available is insufficient to determine the clinical significance of this variant. It has therefore been classified as of uncertain significance.

Labcorp Genetics (formerly Invitae), Labcorp
Classification: Uncertain significance for Charcot-Marie-Tooth disease type 2. Last evaluated: 2025-12-08. Review status: criteria provided, single submitter. Criteria: Invitae Variant Classification Sherloc (09022015). Collection method: clinical testing. Allele origin: germline.
Comment: This sequence change replaces threonine, which is neutral and polar, with isoleucine, which is neutral and non-polar, at codon 606 of the KIF1B protein (p.Thr606Ile). This variant is present in population databases (rs142881321, gnomAD 0.02%). This missense change has been observed in individual(s) with Charcot-Marie-Tooth disease (PMID: 32376792). ClinVar contains an entry for this variant (Variation ID: 291552). Invitae Evidence Modeling of protein sequence and biophysical properties (such as structural, functional, and spatial information, amino acid conservation, physicochemical variation, residue mobility, and thermodynamic stability) indicates that this missense variant is not expected to disrupt KIF1B protein function with a negative predictive value of 80%. In summary, the available evidence is currently insufficient to determine the role of this variant in disease. Therefore, it has been classified as a Variant of Uncertain Significance.

Blueprint Genetics
Classification: Uncertain significance. Last evaluated: 2024-11-12. Review status: criteria provided, single submitter. Criteria: ACMG Guidelines, 2015. Collection method: clinical testing. Allele origin: germline.

Ambry Genetics
Classification: Likely benign. Last evaluated: 2020-09-04. Review status: criteria provided, single submitter. Criteria: Ambry Variant Classification Scheme 2023. Collection method: clinical testing. Allele origin: germline.

Illumina Laboratory Services, Illumina
Classification: Likely benign for Neuroblastoma. Last evaluated: 2018-01-12. Review status: criteria provided, single submitter. Criteria: ICSL Variant Classification Criteria 13 December 2019. Collection method: clinical testing. Allele origin: germline.
Comment: This variant was observed in the ICSL laboratory as part of a predisposition screen in an ostensibly healthy population. It had not been previously curated by ICSL or reported in the Human Gene Mutation Database (HGMD: prior to June 1st, 2018), and was therefore a candidate for classification through an automated scoring system. Utilizing variant allele frequency, disease prevalence and penetrance estimates, and inheritance mode, an automated score was calculated to assess if this variant is too frequent to cause the disease. Based on the score and internal cut-off values, a variant classified as likely benign is not then subjected to further curation. The score for this variant resulted in a classification of likely benign for this disease.

Molecular Genetics Laboratory, London Health Sciences Centre
Classification: Uncertain significance for Charcot-Marie-Tooth disease. Review status: criteria provided, single submitter. Criteria: ACMG Guidelines, 2015. Collection method: clinical testing. Allele origin: germline. Affected: yes.

Literature cited by the submitters: PubMed 32376792 (cited by Labcorp Genetics (formerly Invitae), Labcorp).

NM_001365951.3(KIF1B):c.1955C>T (p.Thr652Ile)

Gene: KIF1B (kinesin family member 1B; plus strand). Cytogenetic location: 1p36.22.
Variant type: single nucleotide variant.
Coding change: c.1955C>T on transcript NM_001365951.3 (MANE Select); coding-DNA position 1955, C replaced by T.
Protein change: p.Thr652Ile; replaces threonine 652 with isoleucine.
Molecular consequence: missense variant.
Genome position (GRCh38, 1-based): chr1:10,296,990, C>T. VCF-style: chr1-10296990-C-T. GRCh37 (hg19) VCF-style: chr1-10357048-C-T.
Other names: c.1955C>T, p.Thr652Ile (NM_001365952.1); c.1817C>T, p.Thr606Ile (NM_001365953.1, NM_015074.3, NM_183416.4); short protein forms T606I, T652I.
Identifiers: ClinVar variation 291552 (VCV000291552.20), dbSNP rs142881321, ClinGen allele CA581132.
Genomic context (GRCh38, chr1:10,296,990, plus strand): 5'-TCCGCTTTAACCACCCGGAACAAGCACGAGCTGAGCGAGAGAAGACTCCTTCTGCTGAGA[C>T]CCCCTCTGAGCCTGTGGACTGGACATTTGCCCAGAGGGAGCTTCTGGAAAAACAAGGAAT-3'
Protein context (NP_001352880.1, residues 642-662): AEREKTPSAE[Thr652Ile]PSEPVDWTFA